The following is an entry in ClinVar:

ClinVar aggregate classification (germline): Conflicting classifications of pathogenicity. Review status: criteria provided, conflicting classifications (1 of 4 stars). 6 submissions from 6 submitters: Uncertain significance (4); Benign (1). 1 of the submissions does not count toward it. Last evaluated 2025-12-16.

Conditions:
Inborn genetic diseases. Identifiers: MedGen C0950123, MeSH D030342.
PIEZO1-related disorder. Also called: PIEZO1-related condition; PIEZO1-Related Disorders.

Allele frequency attached by ClinVar (database versions not stated): gnomAD exomes 0.00006 and 0.00012; ExAC 0.00027; 1000 Genomes Project 0.00040; gnomAD 0.00055 and 0.00056; TOPMed 0.00061; 1000 Genomes Project 30x 0.00062.
gnomAD v4.1: 175 of 1,549,190 alleles (0.011%); highest among the groups gnomAD compares: African/African-American, 0.22%; 1 homozygote.

Submissions (6):

Labcorp Genetics (formerly Invitae), Labcorp
Classification: Benign. Last evaluated: 2025-12-16. Review status: criteria provided, single submitter. Criteria: Invitae Variant Classification Sherloc (09022015). Collection method: clinical testing. Allele origin: germline.

GeneDx
Classification: Uncertain significance. Last evaluated: 2025-03-03. Review status: criteria provided, single submitter. Criteria: GeneDx Variant Classification Process June 2021. Collection method: clinical testing. Allele origin: germline.
Comment: Has not been previously published as pathogenic or benign to our knowledge; In silico analysis supports that this missense variant has a deleterious effect on protein structure/function

Ambry Genetics
Classification: Uncertain significance for Inborn genetic diseases. Last evaluated: 2025-02-14. Review status: criteria provided, single submitter. Criteria: Ambry Variant Classification Scheme 2023. Collection method: clinical testing. Allele origin: germline.

Mayo Clinic Laboratories, Mayo Clinic
Classification: Uncertain significance. Last evaluated: 2025-01-31. Review status: criteria provided, single submitter. Criteria: ACMG Guidelines, 2015. Collection method: clinical testing. Allele origin: germline. Observed: 4 variant alleles.

ARUP Laboratories, Molecular Genetics and Genomics, ARUP Laboratories
Classification: Uncertain significance. Last evaluated: 2022-06-03. Review status: criteria provided, single submitter. Criteria: ARUP Molecular Germline Variant Investigation Process 2021. Collection method: clinical testing. Allele origin: germline.

PreventionGenetics, part of Exact Sciences
Classification: Likely benign for PIEZO1-related condition. Last evaluated: 2024-09-19. Review status: no assertion criteria provided. Collection method: clinical testing. Allele origin: germline. Not counted in ClinVar's aggregate classification.
Comment: This variant is classified as likely benign based on ACMG/AMP sequence variant interpretation guidelines (Richards et al. 2015 PMID: 25741868, with internal and published modifications).

NM_001142864.4(PIEZO1):c.3437C>T (p.Pro1146Leu)

Gene: PIEZO1 (piezo type mechanosensitive ion channel component 1 (Er blood group); minus strand). Cytogenetic location: 16q24.3.
Variant type: single nucleotide variant.
Coding change: c.3437C>T on transcript NM_001142864.4 (MANE Select); coding-DNA position 3437, C replaced by T.
Protein change: p.Pro1146Leu; replaces proline 1146 with leucine.
Molecular consequence: missense variant.
Genome position (GRCh38, 1-based): chr16:88,727,057, G>A on the plus strand (C>T on the coding strand, the complement: PIEZO1 is on the minus strand). VCF-style: chr16-88727057-G-A. GRCh37 (hg19) VCF-style: chr16-88793465-G-A.
Other names: c.3437C>T (NM_001142864.3); short protein forms P1146L.
Identifiers: ClinVar variation 1163403 (VCV001163403.22), dbSNP rs538640563, ClinGen allele CA8232488.